The following is an entry in ClinVar:

ClinVar aggregate classification (germline): Uncertain significance. Review status: criteria provided, multiple submitters, no conflicts (2 of 4 stars). 2 submissions from 2 submitters: Uncertain significance (2). Last evaluated 2025-11-24.

Allele frequency attached by ClinVar (database versions not stated): ExAC 0.00010; TOPMed 0.00013; ESP Exome Variant Server 0.00015; gnomAD 0.00015; 1000 Genomes Project 30x 0.00016; 1000 Genomes Project 0.00020; gnomAD exomes 0.00025.
gnomAD v4.1: 376 of 1,608,112 alleles (0.023%); highest among the groups gnomAD compares: Non-Finnish European, 0.031%; no homozygotes.

Submissions (2):

Labcorp Genetics (formerly Invitae), Labcorp
Classification: Uncertain significance. Last evaluated: 2025-11-24. Review status: criteria provided, single submitter. Criteria: Invitae Variant Classification Sherloc (09022015). Collection method: clinical testing. Allele origin: germline.
Comment: This sequence change replaces methionine, which is neutral and non-polar, with threonine, which is neutral and polar, at codon 502 of the NUP133 protein (p.Met502Thr). This variant is present in population databases (rs200943920, gnomAD 0.01%). This variant has not been reported in the literature in individuals affected with NUP133-related conditions. ClinVar contains an entry for this variant (Variation ID: 2180613). An algorithm developed to predict the effect of missense changes on protein structure and function (PolyPhen-2) suggests that this variant is likely to be tolerated. In summary, the available evidence is currently insufficient to determine the role of this variant in disease. Therefore, it has been classified as a Variant of Uncertain Significance.

Ambry Genetics
Classification: Uncertain significance. Last evaluated: 2025-04-05. Review status: criteria provided, single submitter. Criteria: Ambry Variant Classification Scheme 2023. Collection method: clinical testing. Allele origin: germline.

NM_018230.3(NUP133):c.1505T>C (p.Met502Thr)

Gene: NUP133 (nucleoporin 133; minus strand). Cytogenetic location: 1q42.13.
Variant type: single nucleotide variant.
Coding change: c.1505T>C on transcript NM_018230.3 (MANE Select); coding-DNA position 1505, T replaced by C.
Protein change: p.Met502Thr; replaces methionine 502 with threonine.
Molecular consequence: missense variant.
Genome position (GRCh38, 1-based): chr1:229,484,141, A>G on the plus strand (T>C on the coding strand, the complement: NUP133 is on the minus strand). VCF-style: chr1-229484141-A-G. GRCh37 (hg19) VCF-style: chr1-229619888-A-G.
Other names: c.1505T>C (NM_018230.2); short protein forms M502T.
Identifiers: ClinVar variation 2180613 (VCV002180613.7), dbSNP rs200943920, ClinGen allele CA1443515.